The following is an entry in ClinVar:

ClinVar aggregate classification (germline): Uncertain significance (1 of 4 stars; one submission).

gnomAD v4.1: 12 of 1,208,283 alleles (0.00099%); highest among the groups gnomAD compares: Non-Finnish European, 0.0012%; no homozygotes.

Submission:

GeneDx
Classification: Uncertain significance. Last evaluated: 2024-02-28. Review status: criteria provided, single submitter. Criteria: GeneDx Variant Classification Process June 2021. Collection method: clinical testing. Allele origin: germline. Affected: yes.
Comment: Not observed at significant frequency in large population cohorts (gnomAD); In silico analysis supports that this missense variant does not alter protein structure/function; Has not been previously published as pathogenic or benign to our knowledge

NM_001415.4(EIF2S3):c.64A>G (p.Thr22Ala)

Genes: EIF2S3 (eukaryotic translation initiation factor 2 subunit gamma; plus strand), LOC130068055 (ATAC-STARR-seq lymphoblastoid active region 29496; plus strand). Cytogenetic location: Xp22.11.
Variant type: single nucleotide variant.
Coding change: c.64A>G on transcript NM_001415.4 (MANE Select); coding-DNA position 64, A replaced by G.
Protein change: p.Thr22Ala; replaces threonine 22 with alanine.
Molecular consequence: missense variant.
Genome position (GRCh38, 1-based): chrX:24,055,032, A>G. VCF-style: chrX-24055032-A-G. GRCh37 (hg19) VCF-style: chrX-24073149-A-G.
Other names: short protein forms T22A.
Identifiers: ClinVar variation 3340225 (VCV003340225.1).